The following is an entry in ClinVar:

NM_000038.6(APC):c.6928T>C (p.Ser2310Pro)

Gene: APC (APC regulator of Wnt signaling pathway; plus strand). Cytogenetic location: 5q22.2.
Variant type: single nucleotide variant.
Coding change: c.6928T>C on transcript NM_000038.6 (MANE Select); coding-DNA position 6928, T replaced by C.
Protein change: p.Ser2310Pro; replaces serine 2310 with proline.
Molecular consequence: missense variant.
Genome position (GRCh38, 1-based): chr5:112,842,522, T>C. VCF-style: chr5-112842522-T-C. GRCh37 (hg19) VCF-style: chr5-112178219-T-C.
Other names: c.6928T>C, p.Ser2310Pro (NM_001127510.3, NM_001354895.2); c.6874T>C, p.Ser2292Pro (NM_001127511.3); c.6982T>C, p.Ser2328Pro (NM_001354896.2); c.6958T>C, p.Ser2320Pro (NM_001354897.2); c.6853T>C, p.Ser2285Pro (NM_001354898.2); c.6844T>C, p.Ser2282Pro (NM_001354899.2); c.6805T>C, p.Ser2269Pro (NM_001354900.2); c.6751T>C, p.Ser2251Pro (NM_001354901.2); and 5 more; short protein forms S2150P, S2269P, S2328P, S2027P, S2209P, S2219P, S2282P, S2292P.
Identifiers: ClinVar variation 845641 (VCV000845641.12), dbSNP rs1766334843, ClinGen allele CA16036443.

ClinVar aggregate classification (germline): Uncertain significance. Review status: criteria provided, multiple submitters, no conflicts (2 of 4 stars). 2 submissions from 2 submitters: Uncertain significance (2). Last evaluated 2025-11-15.

Conditions:
Hereditary cancer-predisposing syndrome. Also called: Tumor predisposition; Hereditary neoplastic syndrome; Neoplastic Syndromes, Hereditary; Hereditary Cancer Syndrome. Identifiers: Orphanet 140162, MedGen C0027672, MeSH D009386, MONDO:0015356.
Familial adenomatous polyposis 1 (FAP1). Also called: FAMILIAL ADENOMATOUS POLYPOSIS 1, ATTENUATED; POLYPOSIS, ADENOMATOUS INTESTINAL. Identifiers: MedGen C2713442, MONDO:0021056, OMIM 175100. Disease mechanism: loss of function.

Submissions (2):

Ambry Genetics
Classification: Uncertain significance for Hereditary cancer-predisposing syndrome. Last evaluated: 2025-11-15. Review status: criteria provided, single submitter. Criteria: Ambry Variant Classification Scheme 2023. Collection method: clinical testing. Allele origin: germline.
Comment: The p.S2310P variant (also known as c.6928T>C), located in coding exon 15 of the APC gene, results from a T to C substitution at nucleotide position 6928. The serine at codon 2310 is replaced by proline, an amino acid with similar properties. This amino acid position is conserved. In addition, in silico predictors for this gene do not accurately predict pathogenicity. Based on the available evidence, the clinical significance of this variant remains unclear.

Labcorp Genetics (formerly Invitae), Labcorp
Classification: Uncertain significance for Familial adenomatous polyposis 1. Last evaluated: 2021-01-15. Review status: criteria provided, single submitter. Criteria: Invitae Variant Classification Sherloc (09022015). Collection method: clinical testing. Allele origin: germline.
Comment: This sequence change replaces serine with proline at codon 2310 of the APC protein (p.Ser2310Pro). The serine residue is highly conserved and there is a moderate physicochemical difference between serine and proline. This variant is not present in population databases (ExAC no frequency). This variant has not been reported in the literature in individuals with APC-related conditions. Algorithms developed to predict the effect of missense changes on protein structure and function are either unavailable or do not agree on the potential impact of this missense change (SIFT: "Tolerated"; PolyPhen-2: "Possibly Damaging"; Align-GVGD: "Class C0"). In summary, the available evidence is currently insufficient to determine the role of this variant in disease. Therefore, it has been classified as a Variant of Uncertain Significance.